The following is an entry in ClinVar:

ClinVar aggregate classification (germline): Benign. Review status: criteria provided, multiple submitters, no conflicts (2 of 4 stars). 5 submissions from 5 submitters: Benign (5). Last evaluated 2026-01-26.

Conditions:
Congenital dyserythropoietic anemia, type I. Also called: Dyserythropoietic anemia, congenital type 1. Identifiers: Orphanet 98869, MedGen C0271933, MONDO:0020337. Disease mechanism: loss of function.
Anemia, congenital dyserythropoietic, type 1a (CDAN1A). Also called: DYSERYTHROPOIETIC ANEMIA, CONGENITAL, TYPE Ia; CDAN1-Related Congenital Dyserythropoietic Anemia. Identifiers: MedGen C5574667, MONDO:0009135, OMIM 224120.

Allele frequency attached by ClinVar (database versions not stated): gnomAD exomes 0.00114 and 0.00278; ExAC 0.00351; gnomAD 0.01079 and 0.01147; TOPMed 0.01175; ESP Exome Variant Server 0.01223; 1000 Genomes Project 0.01318; 1000 Genomes Project 30x 0.01327.
gnomAD v4.1: 3,408 of 1,614,166 alleles (0.21%); highest among the groups gnomAD compares: African/African-American, 3.8%; 53 homozygotes.

Submissions (5):

Labcorp Genetics (formerly Invitae), Labcorp
Classification: Benign. Last evaluated: 2026-01-26. Review status: criteria provided, single submitter. Criteria: Invitae Variant Classification Sherloc (09022015). Collection method: clinical testing. Allele origin: germline.

ARUP Laboratories, Molecular Genetics and Genomics, ARUP Laboratories
Classification: Benign for Anemia, congenital dyserythropoietic, type 1a. Last evaluated: 2025-06-05. Review status: criteria provided, single submitter. Criteria: ARUP Molecular Germline Variant Investigation Process 2024. Collection method: clinical testing. Allele origin: germline.

Mayo Clinic Laboratories, Mayo Clinic
Classification: Benign. Last evaluated: 2022-05-16. Review status: criteria provided, single submitter. Criteria: ACMG Guidelines, 2015. Collection method: clinical testing. Allele origin: germline. Observed: 30 variant alleles.
Comment: BS1, BS2

Illumina Laboratory Services, Illumina
Classification: Benign for Anemia, congenital dyserythropoietic, type 1a. Last evaluated: 2018-01-13. Review status: criteria provided, single submitter. Criteria: ICSL Variant Classification Criteria 13 December 2019. Collection method: clinical testing. Allele origin: germline.
Comment: This variant was observed in the ICSL laboratory as part of a predisposition screen in an ostensibly healthy population. It had not been previously curated by ICSL or reported in the Human Gene Mutation Database (HGMD: prior to June 1st, 2018), and was therefore a candidate for classification through an automated scoring system. Utilizing variant allele frequency, disease prevalence and penetrance estimates, and inheritance mode, an automated score was calculated to assess if this variant is too frequent to cause the disease. Based on the score and internal cut-off values, a variant classified as benign is not then subjected to further curation. The score for this variant resulted in a classification of benign for this disease.

Breakthrough Genomics
Classification: Benign. Review status: criteria provided, single submitter. Criteria: ACMG Guidelines, 2015. Collection method: not provided. Allele origin: germline. Inheritance: Autosomal recessive inheritance. Affected: yes.

NM_138477.4(CDAN1):c.1968C>T (p.Thr656=)

Gene: CDAN1 (codanin 1; minus strand). Cytogenetic location: 15q15.2.
Variant type: single nucleotide variant.
Coding change: c.1968C>T on transcript NM_138477.4 (MANE Select); coding-DNA position 1968, C replaced by T.
Protein change: p.Thr656=; no amino-acid change (threonine 656 retained).
Molecular consequence: synonymous variant.
Genome position (GRCh38, 1-based): chr15:42,730,964, G>A on the plus strand (C>T on the coding strand, the complement: CDAN1 is on the minus strand). VCF-style: chr15-42730964-G-A. GRCh37 (hg19) VCF-style: chr15-43023162-G-A.
Other names: p.Thr656=; c.1968C>T, p.Thr656= (LRG_1164t1).
Identifiers: ClinVar variation 315942 (VCV000315942.29), dbSNP rs61742992, ClinGen allele CA7515869.